The following is an entry in ClinVar:

ClinVar aggregate classification (germline): Uncertain significance. Review status: criteria provided, multiple submitters, no conflicts (2 of 4 stars). 3 submissions from 3 submitters: Uncertain significance (3). Last evaluated 2025-07-21.

Conditions:
Familial adenomatous polyposis 1 (FAP1). Also called: POLYPOSIS, ADENOMATOUS INTESTINAL; FAMILIAL ADENOMATOUS POLYPOSIS 1, ATTENUATED. Identifiers: MedGen C2713442, MONDO:0021056, OMIM 175100. Disease mechanism: loss of function.
Hereditary cancer-predisposing syndrome. Also called: Neoplastic Syndromes, Hereditary; Tumor predisposition; Hereditary neoplastic syndrome; Hereditary Cancer Syndrome. Identifiers: Orphanet 140162, MedGen C0027672, MeSH D009386, MONDO:0015356.

Allele frequency attached by ClinVar (database versions not stated): gnomAD exomes below 0.00001.
gnomAD v4.1: 2 of 1,613,092 alleles (0.00012%); highest among the groups gnomAD compares: Non-Finnish European, 0.00017%; no homozygotes.

Submissions (3):

Labcorp Genetics (formerly Invitae), Labcorp
Classification: Uncertain significance for Familial adenomatous polyposis 1. Last evaluated: 2025-07-21. Review status: criteria provided, single submitter. Criteria: Invitae Variant Classification Sherloc (09022015). Collection method: clinical testing. Allele origin: germline.
Comment: This sequence change replaces serine, which is neutral and polar, with asparagine, which is neutral and polar, at codon 2197 of the APC protein (p.Ser2197Asn). This variant is not present in population databases (gnomAD no frequency). This variant has not been reported in the literature in individuals affected with APC-related conditions. ClinVar contains an entry for this variant (Variation ID: 826499). Invitae Evidence Modeling of protein sequence and biophysical properties (such as structural, functional, and spatial information, amino acid conservation, physicochemical variation, residue mobility, and thermodynamic stability) indicates that this missense variant is not expected to disrupt APC protein function with a negative predictive value of 95%. In summary, the available evidence is currently insufficient to determine the role of this variant in disease. Therefore, it has been classified as a Variant of Uncertain Significance.

Quest Diagnostics Nichols Institute San Juan Capistrano
Classification: Uncertain significance. Last evaluated: 2025-06-04. Review status: criteria provided, single submitter. Criteria: Quest Diagnostics criteria. Collection method: clinical testing. Allele origin: unknown.
Comment: The APC c.6590G>A (p.Ser2197Asn) variant has been reported in the published literature in an individual affected with breast cancer (PMID: 25186627 (2015)). This variant has not been reported in large, multi-ethnic general populations (Genome Aggregation Database). Analysis of this variant using bioinformatics tools for the prediction of the effect of amino acid changes on protein structure and function yielded predictions that this variant is damaging. Based on the available information, we are unable to determine the clinical significance of this variant.

Ambry Genetics
Classification: Uncertain significance for Hereditary cancer-predisposing syndrome. Last evaluated: 2023-02-21. Review status: criteria provided, single submitter. Criteria: Ambry Variant Classification Scheme 2023. Collection method: clinical testing. Allele origin: germline.
Comment: The p.S2197N variant (also known as c.6590G>A), located in coding exon 15 of the APC gene, results from a G to A substitution at nucleotide position 6590. The serine at codon 2197 is replaced by asparagine, an amino acid with highly similar properties. This variant was observed in an individual with early onset-breast cancer amongst a cohort of 1781 non-Ashkenazi Jewish individuals undergoing BRCA1/2 gene testing based on a personal history of breast cancer (Tung N et al. Cancer, 2015 Jan;121:25-33). This amino acid position is highly conserved in available vertebrate species. In addition, in silico predictors for this gene do not accurately predict pathogenicity. Since supporting evidence is limited at this time, the clinical significance of this alteration remains unclear.

Literature cited by the submitters: PubMed 25186627 (cited by Quest Diagnostics Nichols Institute San Juan Capistrano and Ambry Genetics).

NM_000038.6(APC):c.6590G>A (p.Ser2197Asn)

Gene: APC (APC regulator of Wnt signaling pathway; plus strand). Cytogenetic location: 5q22.2.
Variant type: single nucleotide variant.
Coding change: c.6590G>A on transcript NM_000038.6 (MANE Select); coding-DNA position 6590, G replaced by A.
Protein change: p.Ser2197Asn; replaces serine 2197 with asparagine.
Molecular consequence: missense variant.
Genome position (GRCh38, 1-based): chr5:112,842,184, G>A. VCF-style: chr5-112842184-G-A. GRCh37 (hg19) VCF-style: chr5-112177881-G-A.
Other names: c.6590G>A, p.Ser2197Asn (NM_001127510.3, NM_001354895.2); c.6536G>A, p.Ser2179Asn (NM_001127511.3); c.6644G>A, p.Ser2215Asn (NM_001354896.2); c.6620G>A, p.Ser2207Asn (NM_001354897.2); c.6515G>A, p.Ser2172Asn (NM_001354898.2); c.6506G>A, p.Ser2169Asn (NM_001354899.2); c.6467G>A, p.Ser2156Asn (NM_001354900.2); c.6413G>A, p.Ser2138Asn (NM_001354901.2); and 5 more; short protein forms S1914N, S2037N, S2106N, S2197N, S2207N, S2071N, S2156N, S2169N.
Identifiers: ClinVar variation 826499 (VCV000826499.16), dbSNP rs1580672466, ClinGen allele CA16035750.
Genomic context (GRCh38, chr5:112,842,184, plus strand): 5'-AAACTAAAAAGATAGAATCTGAAAGTAAAGGAATCAAAGGAGGAAAAAAAGTTTATAAAA[G>A]TTTGATTACTGGAAAAGTTCGATCTAATTCAGAAATTTCAGGCCAAATGAAACAGCCCCT-3'
Protein context (NP_000029.2, residues 2187-2207): GIKGGKKVYK[Ser2197Asn]LITGKVRSNS